The following is an entry in ClinVar:

ClinVar aggregate classification (germline): Uncertain significance. Review status: criteria provided, multiple submitters, no conflicts (2 of 4 stars). 3 submissions from 3 submitters: Uncertain significance (3). Last evaluated 2025-10-01.

Allele frequency attached by ClinVar (database versions not stated): gnomAD exomes 0.00001; TOPMed 0.00002; gnomAD 0.00003.
gnomAD v4.1: 11 of 1,606,758 alleles (0.00068%); highest among the groups gnomAD compares: African/African-American, 0.004%; no homozygotes.

Submissions (3):

Labcorp Genetics (formerly Invitae), Labcorp
Classification: Uncertain significance. Last evaluated: 2025-10-01. Review status: criteria provided, single submitter. Criteria: Invitae Variant Classification Sherloc (09022015). Collection method: clinical testing. Allele origin: germline.
Comment: This sequence change replaces arginine, which is basic and polar, with cysteine, which is neutral and slightly polar, at codon 2020 of the CACNA1B protein (p.Arg2020Cys). This variant is not present in population databases (gnomAD no frequency). This variant has not been reported in the literature in individuals affected with CACNA1B-related conditions. ClinVar contains an entry for this variant (Variation ID: 1931417). Invitae Evidence Modeling of protein sequence and biophysical properties (such as structural, functional, and spatial information, amino acid conservation, physicochemical variation, residue mobility, and thermodynamic stability) has been performed for this missense variant. However, the output from this modeling did not meet the statistical confidence thresholds required to predict the impact of this variant on CACNA1B protein function. In summary, the available evidence is currently insufficient to determine the role of this variant in disease. Therefore, it has been classified as a Variant of Uncertain Significance.

Blueprint Genetics
Classification: Uncertain significance. Last evaluated: 2024-01-12. Review status: criteria provided, single submitter. Criteria: ACMG Guidelines, 2015. Collection method: clinical testing. Allele origin: germline.

Ambry Genetics
Classification: Uncertain significance. Last evaluated: 2023-12-07. Review status: criteria provided, single submitter. Criteria: Ambry Variant Classification Scheme 2023. Collection method: clinical testing. Allele origin: germline.

NM_000718.4(CACNA1B):c.6058C>T (p.Arg2020Cys)

Gene: CACNA1B (calcium voltage-gated channel subunit alpha1 B; plus strand). Cytogenetic location: 9q34.3.
Variant type: single nucleotide variant.
Coding change: c.6058C>T on transcript NM_000718.4 (MANE Select); coding-DNA position 6058, C replaced by T.
Protein change: p.Arg2020Cys; replaces arginine 2020 with cysteine.
Molecular consequence: missense variant.
Genome position (GRCh38, 1-based): chr9:138,120,192, C>T. VCF-style: chr9-138120192-C-T. GRCh37 (hg19) VCF-style: chr9-141014644-C-T.
Other names: c.6058C>T (NM_000718.3); c.6058C>T, p.Arg2020Cys (NM_001243812.2); short protein forms R2020C.
Identifiers: ClinVar variation 1931417 (VCV001931417.5), dbSNP rs996935161, ClinGen allele CA201872841.